The following is an entry in ClinVar:

NM_000235.4(LIPA):c.1043C>T (p.Ala348Val)

Gene: LIPA (lipase A, lysosomal acid type; minus strand). Cytogenetic location: 10q23.31.
Variant type: single nucleotide variant.
Coding change: c.1043C>T on transcript NM_000235.4 (MANE Select); coding-DNA position 1043, C replaced by T.
Protein change: p.Ala348Val; replaces alanine 348 with valine.
Molecular consequence: missense variant.
Genome position (GRCh38, 1-based): chr10:89,214,985, G>A on the plus strand (C>T on the coding strand, the complement: LIPA is on the minus strand). VCF-style: chr10-89214985-G-A. GRCh37 (hg19) VCF-style: chr10-90974742-G-A.
Other names: c.1043C>T, p.Ala348Val (NM_001127605.3); c.695C>T, p.Ala232Val (NM_001288979.2); short protein forms A232V, A348V.
Identifiers: ClinVar variation 1392886 (VCV001392886.8), dbSNP rs757819577, ClinGen allele CA5593521.
Genomic context (GRCh38, chr10:89,214,985, plus strand): 5'-CTCTCATGGAACACCAAGTTGGTGATCTGAGTCAGTAAGATATTGACGTCGTAGACATCT[G>A]CAAGCCAGTCGTGACCCCCGCTCCAGACTGCAGTCGGCACAAGCATGTCCTTCACATTGT-3'
Protein context (NP_000226.2, residues 338-358): AVWSGGHDWL[Ala348Val]DVYDVNILLT

ClinVar aggregate classification (germline): Uncertain significance (1 of 4 stars; one submission).

Conditions:
Wolman disease (WOLD). Also called: Wolman disease with hypolipoproteinemia and acanthocytosis; Acid cholesteryl ester hydrolase deficiency, Wolman type; Acid lipase disease; LYSOSOMAL ACID LIPASE DEFICIENCY, ACUTE INFANTILE; LYSOSOMAL ACID LIPASE DEFICIENCY, COMPLETE; LIPA DEFICIENCY, COMPLETE. Identifiers: Orphanet 75233, MedGen C0043208, MONDO:0019148, OMIM 620151.

Allele frequency attached by ClinVar (database versions not stated): ExAC 0.00001; gnomAD exomes below 0.00001.

Submission:

Labcorp Genetics (formerly Invitae), Labcorp
Classification: Uncertain significance for Wolman disease. Last evaluated: 2022-07-26. Review status: criteria provided, single submitter. Criteria: Invitae Variant Classification Sherloc (09022015). Collection method: clinical testing. Allele origin: germline.
Comment: This sequence change replaces alanine, which is neutral and non-polar, with valine, which is neutral and non-polar, at codon 348 of the LIPA protein (p.Ala348Val). This variant is present in population databases (rs757819577, gnomAD 0.002%). In summary, the available evidence is currently insufficient to determine the role of this variant in disease. Therefore, it has been classified as a Variant of Uncertain Significance. Algorithms developed to predict the effect of missense changes on protein structure and function are either unavailable or do not agree on the potential impact of this missense change (SIFT: "Tolerated"; PolyPhen-2: "Probably Damaging"; Align-GVGD: "Class C0"). ClinVar contains an entry for this variant (Variation ID: 1392886). This variant has not been reported in the literature in individuals affected with LIPA-related conditions.